The following is an entry in ClinVar:

ClinVar aggregate classification (germline): Pathogenic/Likely pathogenic. Review status: criteria provided, multiple submitters, no conflicts (2 of 4 stars). 2 submissions from 2 submitters: Pathogenic (1); Likely pathogenic (1). Last evaluated 2025-05-29.

Conditions:
Maple syrup urine disease type 1A (MSUD1A). Also called: MSUD type 1A. Identifiers: MedGen C1855369, MONDO:0023691, OMIM 248600.
Maple syrup urine disease (MSUD). Identifiers: Orphanet 511, MedGen C0024776, MeSH D008375, MONDO:0009563. Disease mechanism: loss of function.

Submissions (2):

Natera, Inc.
Classification: Likely pathogenic for Maple syrup urine disease type 1A. Last evaluated: 2025-05-29. Review status: criteria provided, single submitter. Criteria: Natera Variant Classification Schema (03/2026). Collection method: clinical testing. Allele origin: germline.
Comment: The c.67del variant in BCKDHA is a frameshift variant predicted to shift the reading frame beginning at codon 23 and leads to a stop codon 40 codons downstream. This variant is expected to result in nonsense mediated decay, truncation, or a dysfunctional protein product. This variant is rare in the general population with a frequency below the threshold expected for the associated phenotype(s). Given the available evidence, this variant is classified as Likely Pathogenic.

Labcorp Genetics (formerly Invitae), Labcorp
Classification: Pathogenic for Maple syrup urine disease. Last evaluated: 2022-03-08. Review status: criteria provided, single submitter. Criteria: Invitae Variant Classification Sherloc (09022015). Collection method: clinical testing. Allele origin: germline.
Comment: For these reasons, this variant has been classified as Pathogenic. This variant has not been reported in the literature in individuals affected with BCKDHA-related conditions. This variant is not present in population databases (gnomAD no frequency). This sequence change creates a premature translational stop signal (p.Leu23Cysfs*40) in the BCKDHA gene. It is expected to result in an absent or disrupted protein product. Loss-of-function variants in BCKDHA are known to be pathogenic (PMID: 16786533, 22593002).

Literature cited by the submitters: PubMed 16786533 (cited by Labcorp Genetics (formerly Invitae), Labcorp); PubMed 22593002 (cited by Labcorp Genetics (formerly Invitae), Labcorp).

NM_000709.4(BCKDHA):c.67del (p.Leu23fs)

Gene: BCKDHA (branched chain keto acid dehydrogenase E1 subunit alpha; plus strand). Cytogenetic location: 19q13.2.
Variant type: Deletion.
Coding change: c.67del on transcript NM_000709.4 (MANE Select); coding-DNA position 67, one base deleted (C; older notation c.67delC).
Protein change: p.Leu23fs; shifts the reading frame from leucine 23.
Molecular consequence: frameshift variant.
Genome position (GRCh38, 1-based): chr19:41,397,894, C deleted; the last of 2 consecutive C bases (chr19:41,397,893-41,397,894); deleting either gives the same sequence. VCF-style (leftmost placement, unchanged base first): chr19-41397892-TC-T. GRCh37 (hg19) VCF-style: chr19-41903797-TC-T.
Other names: c.67del (NM_000709.3); c.67del, p.Leu23fs (NM_001164783.2); short protein forms L23fs.
Identifiers: ClinVar variation 2172648 (VCV002172648.6), dbSNP rs2513443919, ClinGen allele CA2580097281.